The following is an entry in ClinVar:

NM_001330260.2(SCN8A):c.652G>C (p.Ala218Pro)

Gene: SCN8A (sodium voltage-gated channel alpha subunit 8; plus strand). Cytogenetic location: 12q13.13.
Variant type: single nucleotide variant.
Coding change: c.652G>C on transcript NM_001330260.2 (MANE Select); coding-DNA position 652, G replaced by C.
Protein change: p.Ala218Pro; replaces alanine 218 with proline.
Molecular consequence: missense variant. On other transcripts: intron variant (2).
Genome position (GRCh38, 1-based): chr12:51,689,042, G>C. VCF-style: chr12-51689042-G-C. GRCh37 (hg19) VCF-style: chr12-52082826-G-C.
Other names: c.652G>C, p.Ala218Pro (NM_001369788.1); c.706+193G>C (NM_014191.4, NM_001177984.3); short protein forms A218P.
Identifiers: ClinVar variation 1157021 (VCV001157021.10), dbSNP rs2138716670, ClinGen allele CA385224589.

ClinVar aggregate classification (germline): Uncertain significance (1 of 4 stars; one submission).

Conditions:
Early-infantile DEE. Also called: Ohtahara syndrome; Early infantile epileptic encephalopathy with suppression bursts; Early infantile epileptic encephalopathy. Identifiers: Orphanet 1934, MedGen C0393706, MONDO:0800491.

Submission:

Labcorp Genetics (formerly Invitae), Labcorp
Classification: Uncertain significance for Early-infantile DEE. Last evaluated: 2023-05-23. Review status: criteria provided, single submitter. Criteria: Invitae Variant Classification Sherloc (09022015). Collection method: clinical testing. Allele origin: germline.
Comment: The SCN8A gene has multiple clinically relevant transcripts. This variant occurs in alternate transcript NM_001330260.1, and corresponds to NM_014191.3:c.706+193G>C in the primary transcript. This sequence change replaces alanine, which is neutral and non-polar, with proline, which is neutral and non-polar, at codon 218 of the SCN8A protein (p.Ala218Pro). This variant is not present in population databases (gnomAD no frequency). This variant has not been reported in the literature in individuals affected with SCN8A-related conditions. ClinVar contains an entry for this variant (Variation ID: 1157021). Experimental studies and prediction algorithms are not available or were not evaluated, and the functional significance of this variant is currently unknown. Algorithms developed to predict the effect of sequence changes on RNA splicing suggest that this variant is not likely to affect RNA splicing. In summary, the available evidence is currently insufficient to determine the role of this variant in disease. Therefore, it has been classified as a Variant of Uncertain Significance.